The following is an entry in ClinVar:

ClinVar aggregate classification (germline): Uncertain significance (1 of 4 stars; one submission).

Allele frequency attached by ClinVar (database versions not stated): gnomAD exomes below 0.00001.

Submission:

CeGaT Center for Human Genetics Tuebingen
Classification: Uncertain significance. Last evaluated: 2024-01-01. Review status: criteria provided, single submitter. Criteria: CeGaT Center For Human Genetics Tuebingen Variant Classification Criteria Version 2. Collection method: clinical testing. Allele origin: germline. Affected: yes. Observed: 1 variant allele.
Comment: PDE6G: PM2

NM_002602.4(PDE6G):c.181G>A (p.Gly61Arg)

Gene: PDE6G (phosphodiesterase 6G; minus strand). Cytogenetic location: 17q25.3.
Variant type: single nucleotide variant.
Coding change: c.181G>A on transcript NM_002602.4 (MANE Select); coding-DNA position 181, G replaced by A.
Protein change: p.Gly61Arg; replaces glycine 61 with arginine.
Molecular consequence: missense variant. On other transcripts: non-coding transcript variant (2).
Genome position (GRCh38, 1-based): chr17:81,651,651, C>T on the plus strand (G>A on the coding strand, the complement: PDE6G is on the minus strand). VCF-style: chr17-81651651-C-T. GRCh37 (hg19) VCF-style: chr17-79618681-C-T.
Other names: c.181G>A, p.Gly61Arg (NM_001365724.1, NM_001365725.1); short protein forms G61R.
Identifiers: ClinVar variation 3026831 (VCV003026831.22), dbSNP rs2509805568, ClinGen allele CA401474227.